The following is an entry in ClinVar:

ClinVar aggregate classification (germline): Uncertain significance. Review status: criteria provided, multiple submitters, no conflicts (2 of 4 stars). 2 submissions from 2 submitters: Uncertain significance (2). Last evaluated 2022-03-20.

Conditions:
Neuromuscular disease caused by qualitative or quantitative defects of dysferlin. Also called: Dysferlinopathy; Qualitative or quantitative defects of dysferlin. Identifiers: Orphanet 207073, MedGen C2931687, MONDO:0016145.

Allele frequency attached by ClinVar (database versions not stated): gnomAD exomes below 0.00001; ExAC 0.00001.
gnomAD v4.1: 2 of 1,613,952 alleles (0.00012%); highest among the groups gnomAD compares: Non-Finnish European, 0.00017%; no homozygotes.

Submissions (2):

Labcorp Genetics (formerly Invitae), Labcorp
Classification: Uncertain significance for Neuromuscular disease caused by qualitative or quantitative defects of dysferlin. Last evaluated: 2022-03-20. Review status: criteria provided, single submitter. Criteria: Invitae Variant Classification Sherloc (09022015). Collection method: clinical testing. Allele origin: germline.
Comment: This variant has not been reported in the literature in individuals affected with DYSF-related conditions. In summary, the available evidence is currently insufficient to determine the role of this variant in disease. Therefore, it has been classified as a Variant of Uncertain Significance. Advanced modeling of protein sequence and biophysical properties (such as structural, functional, and spatial information, amino acid conservation, physicochemical variation, residue mobility, and thermodynamic stability) performed at Invitae indicates that this missense variant is not expected to disrupt DYSF protein function. This variant is present in population databases (rs762804655, gnomAD 0.0009%). This sequence change replaces cysteine, which is neutral and slightly polar, with tyrosine, which is neutral and polar, at codon 1398 of the DYSF protein (p.Cys1398Tyr).

Revvity Omics, Revvity
Classification: Uncertain significance. Last evaluated: 2019-06-14. Review status: criteria provided, single submitter. Criteria: ACMG Guidelines, 2015. Collection method: clinical testing. Allele origin: germline.

NM_001130987.2(DYSF):c.4247G>A (p.Cys1416Tyr)

Gene: DYSF (dysferlin; plus strand). Cytogenetic location: 2p13.2.
Variant type: single nucleotide variant.
Coding change: c.4247G>A on transcript NM_001130987.2 (MANE Select); coding-DNA position 4247, G replaced by A.
Protein change: p.Cys1416Tyr; replaces cysteine 1416 with tyrosine.
Molecular consequence: missense variant.
Genome position (GRCh38, 1-based): chr2:71,612,666, G>A. VCF-style: chr2-71612666-G-A. GRCh37 (hg19) VCF-style: chr2-71839796-G-A.
Other names: c.4193G>A (NM_003494.3); c.4196G>A, p.Cys1399Tyr (NM_001130455.2, NM_001130983.2); c.4151G>A, p.Cys1384Tyr (NM_001130976.2, NM_001130977.2); c.4193G>A, p.Cys1398Tyr (NM_001130978.2, NM_003494.4); c.4286G>A, p.Cys1429Tyr (NM_001130979.2); c.4244G>A, p.Cys1415Tyr (NM_001130980.2, NM_001130981.2); c.4289G>A, p.Cys1430Tyr (NM_001130982.2); c.4154G>A, p.Cys1385Tyr (NM_001130984.2, NM_001130986.2); and 1 more; short protein forms C1384Y, C1429Y, C1385Y, C1398Y, C1399Y, C1415Y, C1416Y, C1430Y.
Identifiers: ClinVar variation 2164317 (VCV002164317.7), dbSNP rs762804655, ClinGen allele CA1706940.